The following is an entry in ClinVar:

ClinVar aggregate classification (germline): Likely pathogenic. Review status: criteria provided, multiple submitters, no conflicts (2 of 4 stars). 4 submissions from 4 submitters: Likely pathogenic (4). Last evaluated 2026-09-09.

Conditions:
LZTR1-related schwannomatosis. Also called: Schwannomatosis-2, susceptibility to; Schwannomatosis 2. Identifiers: Orphanet 93921, MedGen C3810283, MONDO:0014299, OMIM 615670.
Cardiovascular phenotype. Identifiers: MedGen CN230736.
Hereditary cancer-predisposing syndrome. Also called: Hereditary Cancer Syndrome; Hereditary neoplastic syndrome; Tumor predisposition; Neoplastic Syndromes, Hereditary. Identifiers: Orphanet 140162, MedGen C0027672, MeSH D009386, MONDO:0015356.

gnomAD v4.1: 2 of 1,604,750 alleles (0.00012%); highest among the groups gnomAD compares: South Asian, 0.0011%; no homozygotes.

Submissions (4):

GeneDx
Classification: Likely pathogenic. Last evaluated: 2026-09-09. Review status: criteria provided, single submitter. Criteria: GeneDx Variant Classification Process June 2021. Collection method: clinical testing. Allele origin: germline.
Comment: Canonical splice site variant predicted to result in a null allele in a gene for which loss of function is a known mechanism of disease; Not observed at significant frequency in large population cohorts (gnomAD); Has not been previously published as pathogenic or benign to our knowledge

Labcorp Genetics (formerly Invitae), Labcorp
Classification: Likely pathogenic. Last evaluated: 2025-11-24. Review status: criteria provided, single submitter. Criteria: Invitae Variant Classification Sherloc (09022015). Collection method: clinical testing. Allele origin: germline.
Comment: This sequence change affects a donor splice site in intron 16 of the LZTR1 gene. It is expected to disrupt RNA splicing. Variants that disrupt the donor or acceptor splice site typically lead to a loss of protein function (PMID: 16199547), and loss-of-function variants in LZTR1 are known to be pathogenic (PMID: 24362817, 25335493, 25480913, 25795793, 29469822, 30368668, 30442762, 30442766, 30481304, 30859559). This variant is present in population databases (rs752489470, gnomAD 0.003%). This variant has not been reported in the literature in individuals affected with LZTR1-related conditions. ClinVar contains an entry for this variant (Variation ID: 2180125). Algorithms developed to predict the effect of sequence changes on RNA splicing suggest that this variant may disrupt the consensus splice site. In summary, the currently available evidence indicates that the variant is pathogenic, but additional data are needed to prove that conclusively. Therefore, this variant has been classified as Likely Pathogenic.

Ambry Genetics
Classification: Likely pathogenic for Cardiovascular phenotype; Hereditary cancer-predisposing syndrome. Last evaluated: 2025-09-03. Review status: criteria provided, single submitter. Criteria: Ambry Variant Classification Scheme 2023. Collection method: clinical testing. Allele origin: germline.
Comment: The c.1942+2T>C intronic variant results from a T to C substitution two nucleotides after coding exon 16 in the LZTR1 gene. RNA studies have demonstrated that this alteration results in abnormal splicing in the set of samples tested (Ambry internal data). This nucleotide position is highly conserved in available vertebrate species. In silico splice site analysis predicts that this alteration will weaken the native splice donor site and will result in the creation or strengthening of a novel splice donor site. Loss-of-function variants in LZTR1 are related to an increased risk for schwannomas and autosomal recessive Noonan syndrome; however, such associations with autosomal dominant Noonan syndrome have not been observed (Piotrowski A et al. Nat Genet. 2014 Feb;46:182-7; Yamamoto GL et al. J Med Genet. 2015 Jun;52:413-21; Johnston JJ et al. Genet Med. 2018 10;20:1175-1185). Based on the supporting evidence, this variant is likely pathogenic for an increased risk of LZTR1-related schwannomatosis (SWN) and would be expected to cause autosomal recessive Noonan syndrome when present along with a second pathogenic or likely pathogenic variant on the other allele; however, the association of this alteration with autosomal dominant Noonan syndrome is unlikely.

Baylor Genetics
Classification: Likely pathogenic for LZTR1-related schwannomatosis. Last evaluated: 2024-03-22. Review status: criteria provided, single submitter. Criteria: ACMG Guidelines, 2015. Collection method: clinical testing. Allele origin: unknown.

Literature cited by the submitters: PubMed 16199547 (cited by Labcorp Genetics (formerly Invitae), Labcorp); PubMed 24362817 (cited by Labcorp Genetics (formerly Invitae), Labcorp); PubMed 25335493 (cited by Labcorp Genetics (formerly Invitae), Labcorp); PubMed 25480913 (cited by Labcorp Genetics (formerly Invitae), Labcorp); PubMed 25795793 (cited by Labcorp Genetics (formerly Invitae), Labcorp); PubMed 29469822 (cited by Labcorp Genetics (formerly Invitae), Labcorp); PubMed 30368668 (cited by Labcorp Genetics (formerly Invitae), Labcorp); PubMed 30442762 (cited by Labcorp Genetics (formerly Invitae), Labcorp); PubMed 30442766 (cited by Labcorp Genetics (formerly Invitae), Labcorp); PubMed 30481304 (cited by Labcorp Genetics (formerly Invitae), Labcorp); PubMed 30859559 (cited by Labcorp Genetics (formerly Invitae), Labcorp).

NM_006767.4(LZTR1):c.1942+2T>C

Gene: LZTR1 (leucine zipper like post translational regulator 1; plus strand). Cytogenetic location: 22q11.21.
Variant type: single nucleotide variant.
Coding change: c.1942+2T>C on transcript NM_006767.4 (MANE Select); the canonical splice donor site of the intron after coding-DNA position 1942, T replaced by C.
Molecular consequence: splice donor variant.
Genome position (GRCh38, 1-based): chr22:20,995,028, T>C. VCF-style: chr22-20995028-T-C. GRCh37 (hg19) VCF-style: chr22-21349317-T-C.
Other names: c.1942+2T>C (NM_006767.3).
Identifiers: ClinVar variation 2180125 (VCV002180125.9), dbSNP rs752489470, ClinGen allele CA10119111.